The following is an entry in ClinVar:

ClinVar aggregate classification (germline): Uncertain significance (1 of 4 stars; one submission).

Submission:

CeGaT Center for Human Genetics Tuebingen
Classification: Uncertain significance. Last evaluated: 2024-07-01. Review status: criteria provided, single submitter. Criteria: CeGaT Center For Human Genetics Tuebingen Variant Classification Criteria Version 2. Collection method: clinical testing. Allele origin: germline. Affected: yes. Observed: 1 variant allele.
Comment: HCFC1: PM2, PM5, BP4

NM_005334.3(HCFC1):c.3355A>G (p.Thr1119Ala)

Gene: HCFC1 (host cell factor C1; minus strand). Cytogenetic location: Xq28.
Variant type: single nucleotide variant.
Coding change: c.3355A>G on transcript NM_005334.3 (MANE Select); coding-DNA position 3355, A replaced by G.
Protein change: p.Thr1119Ala; replaces threonine 1119 with alanine.
Molecular consequence: missense variant.
Genome position (GRCh38, 1-based): chrX:153,955,044, T>C on the plus strand (A>G on the coding strand, the complement: HCFC1 is on the minus strand). VCF-style: chrX-153955044-T-C. GRCh37 (hg19) VCF-style: chrX-153220495-T-C.
Other names: c.3355A>G, p.Thr1119Ala (NM_001410705.1); short protein forms T1119A.
Identifiers: ClinVar variation 3257515 (VCV003257515.17).
Genomic context (GRCh38, chrX:153,955,044, plus strand): 5'-AGGCCCGACGGGCATCTCGCTGGTGGTTGGCGCCGACGCTCGACATGGCTGTAGTGGCAG[T>C]GTTGGTGGTGCCCGTCTCGTGGGTCTCGCAGGGTGGGTTTGAGCAGCCATGCTGCCCGGC-3'
Protein context (NP_005325.2, residues 1109-1129): CETHETGTTN[Thr1119Ala]ATTAMSSVGA